The following is an entry in ClinVar:

NM_138386.3(NAF1):c.1200T>G (p.His400Gln)

Gene: NAF1 (nuclear assembly factor 1 ribonucleoprotein; minus strand). Cytogenetic location: 4q32.2.
Variant type: single nucleotide variant.
Coding change: c.1200T>G on transcript NM_138386.3 (MANE Select); coding-DNA position 1200, T replaced by G.
Protein change: p.His400Gln; replaces histidine 400 with glutamine.
Molecular consequence: missense variant. On other transcripts: intron variant (1).
Genome position (GRCh38, 1-based): chr4:163,129,182, A>C on the plus strand (T>G on the coding strand, the complement: NAF1 is on the minus strand). VCF-style: chr4-163129182-A-C. GRCh37 (hg19) VCF-style: chr4-164050334-A-C.
Other names: c.1034-2067T>G (NM_001128931.2); short protein forms H400Q.
Identifiers: ClinVar variation 2978264 (VCV002978264.3), dbSNP rs2477148762, ClinGen allele CA358663122.

ClinVar aggregate classification (germline): Uncertain significance (1 of 4 stars; one submission).

Submission:

Labcorp Genetics (formerly Invitae), Labcorp
Classification: Uncertain significance. Last evaluated: 2024-04-10. Review status: criteria provided, single submitter. Criteria: Invitae Variant Classification Sherloc (09022015). Collection method: clinical testing. Allele origin: germline.
Comment: This sequence change replaces histidine, which is basic and polar, with glutamine, which is neutral and polar, at codon 400 of the NAF1 protein (p.His400Gln). This variant is not present in population databases (gnomAD no frequency). This variant has not been reported in the literature in individuals affected with NAF1-related conditions. Algorithms developed to predict the effect of missense changes on protein structure and function output the following: SIFT: "Not Available"; PolyPhen-2: "Benign"; Align-GVGD: "Not Available". The glutamine amino acid residue is found in multiple mammalian species, which suggests that this missense change does not adversely affect protein function. In summary, the available evidence is currently insufficient to determine the role of this variant in disease. Therefore, it has been classified as a Variant of Uncertain Significance.